The following is an entry in ClinVar:

ClinVar aggregate classification (germline): Conflicting classifications of pathogenicity. Review status: criteria provided, conflicting classifications (1 of 4 stars). 3 submissions from 3 submitters: Uncertain significance (2); Likely benign (1). Last evaluated 2025-02-26.

Conditions:
Hereditary cancer-predisposing syndrome. Also called: Neoplastic Syndromes, Hereditary; Hereditary Cancer Syndrome; Tumor predisposition; Hereditary neoplastic syndrome. Identifiers: Orphanet 140162, MedGen C0027672, MeSH D009386, MONDO:0015356.

Submissions (3):

Ambry Genetics
Classification: Uncertain significance for Hereditary cancer-predisposing syndrome. Last evaluated: 2025-02-26. Review status: criteria provided, single submitter. Criteria: Ambry Variant Classification Scheme 2023. Collection method: clinical testing. Allele origin: germline.
Comment: The p.L852F variant (also known as c.2554C>T), located in coding exon 9 of the BRCA1 gene, results from a C to T substitution at nucleotide position 2554. The leucine at codon 852 is replaced by phenylalanine, an amino acid with highly similar properties. This amino acid position is highly conserved in available vertebrate species. In addition, the in silico prediction for this alteration is inconclusive. Based on the available evidence, the clinical significance of this variant remains unclear.

University of Washington Department of Laboratory Medicine, University of Washington
Classification: Likely benign for Hereditary cancer-predisposing syndrome. Last evaluated: 2023-03-23. Review status: criteria provided, single submitter. Criteria: Dines et al. (Genet Med. 2020). Collection method: curation. Allele origin: germline.
Comment: Missense variant in a coldspot region where missense variants are very unlikely to be pathogenic (PMID:31911673).

BRCA1 coldspot (exon 11 using historical exon numbering). Reclassification based on statistical prior probability

Quest Diagnostics Nichols Institute San Juan Capistrano
Classification: Uncertain significance. Last evaluated: 2020-03-05. Review status: criteria provided, single submitter. Criteria: Quest Diagnostics criteria. Collection method: clinical testing. Allele origin: unknown.

NM_007294.4(BRCA1):c.2554C>T (p.Leu852Phe)

Gene: BRCA1 (BRCA1 DNA repair associated; minus strand). Cytogenetic location: 17q21.31.
Variant type: single nucleotide variant.
Coding change: c.2554C>T on transcript NM_007294.4 (MANE Select); coding-DNA position 2554, C replaced by T.
Protein change: p.Leu852Phe; replaces leucine 852 with phenylalanine.
Molecular consequence: missense variant. On other transcripts: intron variant (137).
Genome position (GRCh38, 1-based): chr17:43,092,977, G>A on the plus strand (C>T on the coding strand, the complement: BRCA1 is on the minus strand). VCF-style: chr17-43092977-G-A. GRCh37 (hg19) VCF-style: chr17-41244994-G-A.
Other names: c.2290C>T, p.Leu764Phe (NM_001407933.1, NM_001407935.1, NM_001407920.1 and 9 more transcripts); c.2287C>T, p.Leu763Phe (NM_001407934.1, NM_001407936.1, NM_001407930.1 and 2 more transcripts); c.2431C>T, p.Leu811Phe (NM_001407937.1, NM_001407938.1, NM_001407939.1 and 19 more transcripts); c.2428C>T, p.Leu810Phe (NM_001407940.1, NM_001407941.1, NM_001407649.1 and 11 more transcripts); c.2413C>T, p.Leu805Phe (NM_001407942.1, NM_001407944.1, NM_001407945.1 and 29 more transcripts); c.2410C>T, p.Leu804Phe (NM_001407943.1, NM_001407964.1, NM_001407740.1 and 20 more transcripts); c.2221C>T, p.Leu741Phe (NM_001407946.1, NM_001407953.1, NM_001407947.1 and 6 more transcripts); c.2218C>T, p.Leu740Phe (NM_001407954.1, NM_001407955.1, NM_001407956.1 and 1 more transcripts); and 41 more; short protein forms L805F, L852F, L740F, L782F, L785F, L810F, L556F, L684F.
Identifiers: ClinVar variation 993164 (VCV000993164.5), dbSNP rs863224754, ClinGen allele CA10596883.